The following is an entry in ClinVar:

NM_000152.5(GAA):c.1888+21G>A

Gene: GAA (alpha glucosidase; plus strand). Cytogenetic location: 17q25.3.
Variant type: single nucleotide variant.
Coding change: c.1888+21G>A on transcript NM_000152.5 (MANE Select); 21 bases into the intron after coding-DNA position 1888, G replaced by A.
Molecular consequence: intron variant.
Genome position (GRCh38, 1-based): chr17:80,112,732, G>A. VCF-style: chr17-80112732-G-A. GRCh37 (hg19) VCF-style: chr17-78086531-G-A.
Other names: c.1888+21G>A (LRG_673t1, NM_001079803.3, NM_001079804.3).
Identifiers: ClinVar variation 255357 (VCV000255357.13), dbSNP rs2304837, ClinGen allele CA8815516.
Genomic context (GRCh38, chr17:80,112,732, plus strand): 5'-GTGTGGAGCTCCTGGGAGCAGCTCGCCTCCTCCGTGCCAGGTGAGCTCCTACCAGGAGGG[G>A]CTGCTCAGCAGAGTAGAGCCGGGGGCCTCTATGGGAGGCTTGCCGGGGCCCCCCACCCAC-3'

ClinVar aggregate classification (germline): Benign. Review status: criteria provided, multiple submitters, no conflicts (2 of 4 stars). 7 submissions from 7 submitters: Benign (5). 2 of the submissions do not count toward it. Last evaluated 2026-07-01.

Conditions:
Glycogen storage disease, type II (IOPD). Also called: CARDIOMEGALIA GLYCOGENICA DIFFUSA; GLYCOGEN STORAGE DISEASE II, INFANTILE-ONSET; POMPE DISEASE, INFANTILE-ONSET; ACID ALPHA-GLUCOSIDASE DEFICIENCY, INFANTILE-ONSET; GAA DEFICIENCY, INFANTILE-ONSET; ACID MALTASE DEFICIENCY, INFANTILE-ONSET. Identifiers: Orphanet 365, MedGen C0017921, MONDO:0009290, OMIM 232300.

Allele frequency attached by ClinVar (database versions not stated): ESP Exome Variant Server 0.02705; TOPMed 0.04538; gnomAD 0.05276; gnomAD exomes 0.05773; ExAC 0.07281; 1000 Genomes Project 30x 0.07480; 1000 Genomes Project 0.07788.
gnomAD v4.1: 72,968 of 1,598,582 alleles (4.6%); highest among the groups gnomAD compares: East Asian, 26%; 2,973 homozygotes.

Submissions (7):

Genomenon, Inc
Classification: Benign for Glycogen storage disease, type II. Last evaluated: 2026-07-01. Review status: criteria provided, single submitter. Criteria: Genomenon Sequence Variant Interpretation Standards - Updated. Collection method: curation. Allele origin: germline. Affected: no.
Comment: GAA c.1888+21G>A is an intronic variant located in intron 13. This variant is present at high allele frequency in population databases. We classify GAA c.1888+21G>A as a benign variant.

Genome-Nilou Lab
Classification: Benign for Glycogen storage disease, type II. Last evaluated: 2021-06-10. Review status: criteria provided, single submitter. Criteria: ACMG Guidelines, 2015. Collection method: clinical testing. Allele origin: germline. Affected: no.

GeneDx
Classification: Benign. Last evaluated: 2018-06-26. Review status: criteria provided, single submitter. Criteria: GeneDx Variant Classification Process June 2021. Collection method: clinical testing. Allele origin: germline. Affected: yes.

Breakthrough Genomics
Classification: Benign. Review status: criteria provided, single submitter. Criteria: ACMG Guidelines, 2015. Collection method: not provided. Allele origin: germline. Inheritance: Autosomal recessive inheritance. Affected: yes.

PreventionGenetics, part of Exact Sciences
Classification: Benign. Review status: criteria provided, single submitter. Criteria: ACMG Guidelines, 2015. Collection method: clinical testing. Allele origin: germline.

Counsyl
Classification: Benign for Glycogen storage disease, type II. Last evaluated: 2017-12-08. Review status: no assertion criteria provided. Collection method: clinical testing. Allele origin: unknown. Not counted in ClinVar's aggregate classification.

Mayo Clinic Laboratories, Mayo Clinic
Classification: Benign. Last evaluated: 2015-12-16. Review status: no assertion criteria provided. Collection method: clinical testing. Allele origin: unknown. Not counted in ClinVar's aggregate classification.